The following is an entry in ClinVar:

ClinVar aggregate classification (germline): Likely benign (1 of 4 stars; one submission).

gnomAD v4.1: 10,388 of 701,934 alleles (1.5%); highest among the groups gnomAD compares: Non-Finnish European, 1.9%; 111 homozygotes.

Submission:

GeneDx
Classification: Likely benign. Last evaluated: 2021-05-20. Review status: criteria provided, single submitter. Criteria: GeneDx Variant Classification Process June 2021. Collection method: clinical testing. Allele origin: germline. Affected: yes.
Comment: See Variant Classification Assertion Criteria.

NM_000355.4(TCN2):c.257+188G>T

Gene: TCN2 (transcobalamin 2; plus strand). Cytogenetic location: 22q12.2.
Variant type: single nucleotide variant.
Coding change: c.257+188G>T on transcript NM_000355.4 (MANE Select); 188 bases into the intron after coding-DNA position 257, G replaced by T.
Molecular consequence: intron variant.
Genome position (GRCh38, 1-based): chr22:30,611,251, G>T. VCF-style: chr22-30611251-G-T. GRCh37 (hg19) VCF-style: chr22-31007238-G-T.
Other names: c.257+188G>T (NM_001184726.2).
Identifiers: ClinVar variation 4813959 (VCV004813959.1).